The following is an entry in ClinVar:

NM_000733.4(CD3E):c.89G>C (p.Gly30Ala)

Gene: CD3E (CD3 epsilon subunit of T-cell receptor complex; plus strand). Cytogenetic location: 11q23.3.
Variant type: single nucleotide variant.
Coding change: c.89G>C on transcript NM_000733.4 (MANE Select); coding-DNA position 89, G replaced by C.
Protein change: p.Gly30Ala; replaces glycine 30 with alanine.
Molecular consequence: missense variant.
Genome position (GRCh38, 1-based): chr11:118,312,156, G>C. VCF-style: chr11-118312156-G-C. GRCh37 (hg19) VCF-style: chr11-118182871-G-C.
Other names: short protein forms G30A.
Identifiers: ClinVar variation 2003558 (VCV002003558.4), dbSNP rs202079083, ClinGen allele CA382781514.

ClinVar aggregate classification (germline): Uncertain significance (1 of 4 stars; one submission).

Conditions:
Immunodeficiency 18 (IMD18). Also called: CD3-EPSILON DEFICIENCY; CD3epsilon deficiency. Identifiers: MedGen C3810127, MONDO:0014278, OMIM 615615.

Submission:

Labcorp Genetics (formerly Invitae), Labcorp
Classification: Uncertain significance for Immunodeficiency 18. Last evaluated: 2022-06-14. Review status: criteria provided, single submitter. Criteria: Invitae Variant Classification Sherloc (09022015). Collection method: clinical testing. Allele origin: germline.
Comment: In summary, the available evidence is currently insufficient to determine the role of this variant in disease. Therefore, it has been classified as a Variant of Uncertain Significance. Algorithms developed to predict the effect of missense changes on protein structure and function output the following: SIFT: "Tolerated"; PolyPhen-2: "Benign"; Align-GVGD: "Class C0". The alanine amino acid residue is found in multiple mammalian species, which suggests that this missense change does not adversely affect protein function. This variant has not been reported in the literature in individuals affected with CD3E-related conditions. This variant is not present in population databases (gnomAD no frequency). This sequence change replaces glycine, which is neutral and non-polar, with alanine, which is neutral and non-polar, at codon 30 of the CD3E protein (p.Gly30Ala).